The following is an entry in ClinVar:

NM_004113.6(FGF12):c.513T>G (p.Asn171Lys)

Gene: FGF12 (fibroblast growth factor 12; minus strand). Cytogenetic location: 3q28.
Variant type: single nucleotide variant.
Coding change: c.513T>G on transcript NM_004113.6 (MANE Select); coding-DNA position 513, T replaced by G.
Protein change: p.Asn171Lys; replaces asparagine 171 with lysine.
Molecular consequence: missense variant.
Genome position (GRCh38, 1-based): chr3:192,144,042, A>C on the plus strand (T>G on the coding strand, the complement: FGF12 is on the minus strand). VCF-style: chr3-192144042-A-C. GRCh37 (hg19) VCF-style: chr3-191861831-A-C.
Other names: c.402T>G, p.Asn134Lys (NM_001377292.1); c.441T>G, p.Asn147Lys (NM_001377293.1, NM_001377294.1); c.699T>G, p.Asn233Lys (NM_021032.5); short protein forms N134K, N147K, N171K, N233K.
Identifiers: ClinVar variation 2504915 (VCV002504915.1), dbSNP rs2473889647, ClinGen allele CA355865624.

ClinVar aggregate classification (germline): Uncertain significance (1 of 4 stars; one submission).

Submission:

GeneDx
Classification: Uncertain significance. Last evaluated: 2023-06-07. Review status: criteria provided, single submitter. Criteria: GeneDx Variant Classification Process June 2021. Collection method: clinical testing. Allele origin: germline. Affected: yes.
Comment: Not observed in large population cohorts (gnomAD); In silico analysis supports that this missense variant does not alter protein structure/function; Has not been previously published as pathogenic or benign to our knowledge